The following is an entry in ClinVar:

NM_000540.3(RYR1):c.14687G>A (p.Gly4896Glu)

Gene: RYR1 (ryanodine receptor 1; plus strand). Cytogenetic location: 19q13.2.
Variant type: single nucleotide variant.
Coding change: c.14687G>A on transcript NM_000540.3 (MANE Select); coding-DNA position 14687, G replaced by A.
Protein change: p.Gly4896Glu; replaces glycine 4896 with glutamic acid.
Molecular consequence: missense variant.
Genome position (GRCh38, 1-based): chr19:38,584,983, G>A. VCF-style: chr19-38584983-G-A. GRCh37 (hg19) VCF-style: chr19-39075623-G-A.
Other names: c.14672G>A, p.Gly4891Glu (NM_001042723.2); short protein forms G4891E, G4896E.
Identifiers: ClinVar variation 665159 (VCV000665159.11), dbSNP rs1599674197, ClinGen allele CA405690282.

ClinVar aggregate classification (germline): Conflicting classifications of pathogenicity. Review status: criteria provided, conflicting classifications (1 of 4 stars). 2 submissions from 2 submitters: Pathogenic (1); Uncertain significance (1). Last evaluated 2024-02-23.

Conditions:
RYR1-related disorder. Also called: RYR1-related condition; RYR1-related disorders. Identifiers: MedGen CN239331.

Submissions (2):

Revvity Omics, Revvity
Classification: Uncertain significance. Last evaluated: 2024-02-23. Review status: criteria provided, single submitter. Criteria: ACMG Guidelines, 2015. Collection method: clinical testing. Allele origin: germline.

Labcorp Genetics (formerly Invitae), Labcorp
Classification: Pathogenic for RYR1-related disorder. Last evaluated: 2018-11-25. Review status: criteria provided, single submitter. Criteria: Invitae Variant Classification Sherloc (09022015). Collection method: clinical testing. Allele origin: germline.
Comment: This sequence change replaces glycine with glutamic acid at codon 4896 of the RYR1 protein (p.Gly4896Glu). The glycine residue is highly conserved and there is a moderate physicochemical difference between glycine and glutamic acid. For these reasons, this variant has been classified as Pathogenic. This missense change is located in a region of the RYR1 protein where a significant number of previously reported RYR1 missense mutations are found (PMID: 16084090). These observations suggest that a previously unreported missense substitution within this region may affect protein function, but experiments have not been done to test this possibility. Algorithms developed to predict the effect of missense changes on protein structure and function are either unavailable or do not agree on the potential impact of this missense change (SIFT: "Deleterious"; PolyPhen-2: "Possibly Damaging"; Align-GVGD: "Class C0"). This variant is not present in population databases (ExAC no frequency).

Literature cited by the submitters: PubMed 16084090 (cited by Labcorp Genetics (formerly Invitae), Labcorp).